The following is an entry in ClinVar:

NM_206933.4(USH2A):c.10183-2A>G

Gene: USH2A (usherin; minus strand). Cytogenetic location: 1q41.
Variant type: single nucleotide variant.
Coding change: c.10183-2A>G on transcript NM_206933.4 (MANE Select); the canonical splice acceptor site of the intron before coding-DNA position 10183, A replaced by G.
Molecular consequence: splice acceptor variant.
Genome position (GRCh38, 1-based): chr1:215,786,876, T>C on the plus strand (A>G on the coding strand, the complement: USH2A is on the minus strand). VCF-style: chr1-215786876-T-C. GRCh37 (hg19) VCF-style: chr1-215960218-T-C.
Identifiers: ClinVar variation 866770 (VCV000866770.7), dbSNP rs1661818720, ClinGen allele CA344840865.

ClinVar aggregate classification (germline): Pathogenic/Likely pathogenic. Review status: criteria provided, multiple submitters, no conflicts (2 of 4 stars). 4 submissions from 4 submitters: Pathogenic (1); Likely pathogenic (3). Last evaluated 2025-10-07.

Conditions:
USH2A-related disorder. Also called: USH2A-related condition; USH2A-related disorders. Identifiers: MedGen CN239332.
Usher syndrome type 2A. Also called: RETINAL DISEASE IN USHER SYNDROME TYPE IIA, MODIFIER OF; USHER SYNDROME, TYPE IIA. Identifiers: Orphanet 231178, Orphanet 886, MedGen C1848634, MONDO:0010169, OMIM 276901.

Submissions (4):

Natera, Inc.
Classification: Likely pathogenic for Usher syndrome type 2A. Last evaluated: 2025-10-07. Review status: criteria provided, single submitter. Criteria: Natera Variant Classification Schema (03/2026). Collection method: clinical testing. Allele origin: germline.
Comment: The c.10183-2A>G variant in USH2A is a canonical splice acceptor site variant predicted to affect pre-mRNA splicing, which may result in an abnormal transcript and altered protein product. This variant is expected to result in nonsense mediated decay, truncation, or a dysfunctional protein product. This variant is rare in the general population with a frequency below the threshold expected for the associated phenotype(s). Given the available evidence, this variant is classified as Likely Pathogenic.

Myriad Genetics, Inc.
Classification: Likely pathogenic for USH2A-related disorder. Last evaluated: 2025-02-10. Review status: criteria provided, single submitter. Criteria: Myriad Autosomal Dominant, Autosomal Recessive and X-Linked Classification Criteria (2023). Collection method: clinical testing. Allele origin: unknown.
Comment: NM_206933.2(USH2A):c.10183-2A>G is a variant in a canonical splice site classified as likely pathogenic in the context of USH2A-related disorders. c.10183-2A>G has been observed in a case with relevant disease (PMID: 34948090). Relevant functional assessments of this variant are not available in the literature. c.10183-2A>G has not been observed in referenced population frequency databases. In summary, NM_206933.2(USH2A):c.10183-2A>G is a variant in a canonical splice site in a gene where loss of function is a known mechanism of disease, is predicted to disrupt protein function, and has been observed more frequently in cases with the relevant disease than in healthy populations. Please note: this variant was assessed in the context of healthy population screening

Labcorp Genetics (formerly Invitae), Labcorp
Classification: Pathogenic. Last evaluated: 2023-12-29. Review status: criteria provided, single submitter. Criteria: Invitae Variant Classification Sherloc (09022015). Collection method: clinical testing. Allele origin: germline.
Comment: This sequence change affects an acceptor splice site in intron 51 of the USH2A gene. It is expected to disrupt RNA splicing. Variants that disrupt the donor or acceptor splice site typically lead to a loss of protein function (PMID: 16199547), and loss-of-function variants in USH2A are known to be pathogenic (PMID: 10729113, 10909849, 20507924, 25649381). This variant is not present in population databases (gnomAD no frequency). Disruption of this splice site has been observed in individual(s) with Usher syndrome (PMID: 34948090). ClinVar contains an entry for this variant (Variation ID: 866770). Algorithms developed to predict the effect of sequence changes on RNA splicing suggest that this variant may disrupt the consensus splice site. For these reasons, this variant has been classified as Pathogenic.

Blueprint Genetics
Classification: Likely pathogenic for USH2A-related disorders. Last evaluated: 2018-06-06. Review status: criteria provided, single submitter. Criteria: ACMG Guidelines, 2015. Collection method: clinical testing. Allele origin: germline. Affected: yes. Observed: 1 variant allele.

Literature cited by the submitters: PubMed 34948090 (cited by Myriad Genetics, Inc. and Labcorp Genetics (formerly Invitae), Labcorp); PubMed 16199547 (cited by Labcorp Genetics (formerly Invitae), Labcorp); PubMed 10729113 (cited by Labcorp Genetics (formerly Invitae), Labcorp); PubMed 10909849 (cited by Labcorp Genetics (formerly Invitae), Labcorp); PubMed 20507924 (cited by Labcorp Genetics (formerly Invitae), Labcorp); PubMed 25649381 (cited by Labcorp Genetics (formerly Invitae), Labcorp).